The following is an entry in ClinVar:

ClinVar aggregate classification (germline): Likely benign. Review status: criteria provided, multiple submitters, no conflicts (2 of 4 stars). 2 submissions from 2 submitters: Likely benign (2). Last evaluated 2024-10-10.

Conditions:
POLD1-related polyposis and colorectal cancer syndrome (CRCS10). Also called: Colorectal cancer, susceptibility to, 10; Colorectal cancer 10; COLORECTAL CANCER, SUSCEPTIBILITY TO, ON CHROMOSOME 19q. Identifiers: Orphanet 220460, MedGen C2675481, MONDO:0012953, OMIM 612591.

Submissions (2):

Labcorp Genetics (formerly Invitae), Labcorp
Classification: Likely benign for POLD1-related polyposis and colorectal cancer syndrome. Last evaluated: 2024-10-10. Review status: criteria provided, single submitter. Criteria: Invitae Variant Classification Sherloc (09022015). Collection method: clinical testing. Allele origin: germline.

GeneDx
Classification: Likely benign. Last evaluated: 2016-09-26. Review status: criteria provided, single submitter. Criteria: GeneDx Variant Classification (06012015). Collection method: clinical testing. Allele origin: germline. Affected: yes.
Comment: This variant is considered likely benign or benign based on one or more of the following criteria: it is a conservative change, it occurs at a poorly conserved position in the protein, it is predicted to be benign by multiple in silico algorithms, and/or has population frequency not consistent with disease.

NM_002691.4(POLD1):c.1243-7T>A

Gene: POLD1 (DNA polymerase delta 1, catalytic subunit; plus strand). Cytogenetic location: 19q13.33.
Variant type: single nucleotide variant.
Coding change: c.1243-7T>A on transcript NM_002691.4 (MANE Select); 7 bases into the intron before coding-DNA position 1243, T replaced by A.
Molecular consequence: intron variant.
Genome position (GRCh38, 1-based): chr19:50,406,175, T>A. VCF-style: chr19-50406175-T-A. GRCh37 (hg19) VCF-style: chr19-50909432-T-A.
Other names: c.1243-7T>A (LRG_785t2, LRG_785t1, NM_001256849.1 and 1 more transcripts).
Identifiers: ClinVar variation 389604 (VCV000389604.11), dbSNP rs776969479, ClinGen allele CA16608266.